The following is an entry in ClinVar:

NM_005559.4(LAMA1):c.1770G>A (p.Thr590=)

Gene: LAMA1 (laminin subunit alpha 1; minus strand). Cytogenetic location: 18p11.31.
Variant type: single nucleotide variant.
Coding change: c.1770G>A on transcript NM_005559.4 (MANE Select); coding-DNA position 1770, G replaced by A.
Protein change: p.Thr590=; no amino-acid change (threonine 590 retained).
Molecular consequence: synonymous variant.
Genome position (GRCh38, 1-based): chr18:7,036,056, C>T on the plus strand (G>A on the coding strand, the complement: LAMA1 is on the minus strand). VCF-style: chr18-7036056-C-T. GRCh37 (hg19) VCF-style: chr18-7036055-C-T.
Identifiers: ClinVar variation 773070 (VCV000773070.11), dbSNP rs147447578, ClinGen allele CA8882874.

ClinVar aggregate classification (germline): Likely benign. Review status: criteria provided, multiple submitters, no conflicts (2 of 4 stars). 3 submissions from 3 submitters: Likely benign (2). 1 of the submissions does not count toward it. Last evaluated 2024-12-16.

Conditions:
LAMA1-related disorder. Also called: LAMA1-related disorders; LAMA1-related condition.

Allele frequency attached by ClinVar (database versions not stated): gnomAD exomes 0.00007; ExAC 0.00010; 1000 Genomes Project 30x 0.00016; 1000 Genomes Project 0.00020; TOPMed 0.00024; gnomAD 0.00027 and 0.00029; ESP Exome Variant Server 0.00031.
gnomAD v4.1: 99 of 1,614,088 alleles (0.0061%); highest among the groups gnomAD compares: African/African-American, 0.089%; 1 homozygote.

Submissions (3):

Labcorp Genetics (formerly Invitae), Labcorp
Classification: Likely benign. Last evaluated: 2024-12-16. Review status: criteria provided, single submitter. Criteria: Invitae Variant Classification Sherloc (09022015). Collection method: clinical testing. Allele origin: germline.

Blueprint Genetics
Classification: Likely benign. Last evaluated: 2023-01-03. Review status: criteria provided, single submitter. Criteria: ACMG Guidelines, 2015. Collection method: clinical testing. Allele origin: germline.

PreventionGenetics, part of Exact Sciences
Classification: Likely benign for LAMA1-related condition. Last evaluated: 2019-10-18. Review status: no assertion criteria provided. Collection method: clinical testing. Allele origin: germline. Not counted in ClinVar's aggregate classification.
Comment: This variant is classified as likely benign based on ACMG/AMP sequence variant interpretation guidelines (Richards et al. 2015 PMID: 25741868, with internal and published modifications).